The following is an entry in ClinVar:

NM_017553.3(INO80):c.4383A>G (p.Ala1461=)

Gene: INO80 (INO80 complex ATPase subunit; minus strand). Cytogenetic location: 15q15.1.
Variant type: single nucleotide variant.
Coding change: c.4383A>G on transcript NM_017553.3 (MANE Select); coding-DNA position 4383, A replaced by G.
Protein change: p.Ala1461=; no amino-acid change (alanine 1461 retained).
Molecular consequence: synonymous variant. On other transcripts: non-coding transcript variant (1).
Genome position (GRCh38, 1-based): chr15:40,982,932, T>C on the plus strand (A>G on the coding strand, the complement: INO80 is on the minus strand). VCF-style: chr15-40982932-T-C. GRCh37 (hg19) VCF-style: chr15-41275130-T-C.
Identifiers: ClinVar variation 3047429 (VCV003047429.2), dbSNP rs548072003, ClinGen allele CA7488446.

ClinVar aggregate classification (germline): Likely benign (0 of 4 stars; one submission).

Conditions:
INO80-related disorder. Also called: INO80-related condition.

Allele frequency attached by ClinVar (database versions not stated): TOPMed below 0.00001; gnomAD 0.00005; gnomAD exomes 0.00008; ExAC 0.00025; 1000 Genomes Project 0.00060; 1000 Genomes Project 30x 0.00078.
gnomAD v4.1: 128 of 1,614,182 alleles (0.0079%); highest among the groups gnomAD compares: South Asian, 0.13%; 2 homozygotes.

Submission:

PreventionGenetics, part of Exact Sciences
Classification: Likely benign for INO80-related condition. Last evaluated: 2019-02-20. Review status: no assertion criteria provided. Collection method: clinical testing. Allele origin: germline.
Comment: This variant is classified as likely benign based on ACMG/AMP sequence variant interpretation guidelines (Richards et al. 2015 PMID: 25741868, with internal and published modifications).